The following is an entry in ClinVar:

NM_007294.4(BRCA1):c.1742A>G (p.Lys581Arg)

Gene: BRCA1 (BRCA1 DNA repair associated; minus strand). Cytogenetic location: 17q21.31.
Variant type: single nucleotide variant.
Coding change: c.1742A>G on transcript NM_007294.4 (MANE Select); coding-DNA position 1742, A replaced by G.
Protein change: p.Lys581Arg; replaces lysine 581 with arginine.
Molecular consequence: missense variant. On other transcripts: intron variant (137).
Genome position (GRCh38, 1-based): chr17:43,093,789, T>C on the plus strand (A>G on the coding strand, the complement: BRCA1 is on the minus strand). VCF-style: chr17-43093789-T-C. GRCh37 (hg19) VCF-style: chr17-41245806-T-C.
Other names: c.787+955A>G (NM_007299.4, NM_001407968.1, NM_001407974.1 and 19 more transcripts); c.646+955A>G (NM_001408455.1, NM_001408466.1, NM_001408452.1 and 11 more transcripts); c.577+955A>G (NM_001408492.1, NM_001408513.1, NM_001408481.1 and 9 more transcripts); c.643+955A>G (NM_001408468.1, NM_001408470.1, NM_001408464.1 and 3 more transcripts); c.523+955A>G (NM_001408501.1, NM_001408500.1, NM_001408497.1 and 3 more transcripts); c.520+955A>G (NM_001408503.1, NM_001408505.1, NM_001408504.1); c.1619A>G, p.Lys540Arg (NM_001407675.1, NM_001407676.1, NM_001407677.1 and 19 more transcripts); c.1616A>G, p.Lys539Arg (NM_001407671.1, NM_001407672.1, NM_001407673.1 and 11 more transcripts); and 40 more; short protein forms K534R, K581R, K492R, K510R, K513R, K539R, K554R, K555R.
Identifiers: ClinVar variation 819955 (VCV000819955.17), dbSNP rs1597874458, ClinGen allele CA10598545.

ClinVar aggregate classification (germline): Conflicting classifications of pathogenicity. Review status: criteria provided, conflicting classifications (1 of 4 stars). 4 submissions from 4 submitters: Uncertain significance (2); Likely benign (2). Last evaluated 2023-03-23.

Conditions:
Hereditary breast ovarian cancer syndrome. Also called: Hereditary breast and/or ovarian cancer syndrome; BRCA1- and BRCA2-Associated Hereditary Breast and Ovarian Cancer; Hereditary breast and ovarian cancer syndrome; Hereditary breast and ovarian cancer; Hereditary breast and ovarian cancer syndrome (HBOC); Breast and ovarian cancer. Identifiers: Orphanet 145, MedGen C0677776, MeSH D061325, MONDO:0003582. Disease mechanism: loss of function.
Hereditary cancer-predisposing syndrome. Also called: Neoplastic Syndromes, Hereditary; Tumor predisposition; Hereditary Cancer Syndrome; Hereditary neoplastic syndrome. Identifiers: Orphanet 140162, MedGen C0027672, MeSH D009386, MONDO:0015356.

Submissions (4):

University of Washington Department of Laboratory Medicine, University of Washington
Classification: Likely benign for Hereditary cancer-predisposing syndrome. Last evaluated: 2023-03-23. Review status: criteria provided, single submitter. Criteria: Dines et al. (Genet Med. 2020). Collection method: curation. Allele origin: germline.
Comment: Missense variant in a coldspot region where missense variants are very unlikely to be pathogenic (PMID:31911673).

BRCA1 coldspot (exon 11 using historical exon numbering). Reclassification based on statistical prior probability

Labcorp Genetics (formerly Invitae), Labcorp
Classification: Uncertain significance for Hereditary breast ovarian cancer syndrome. Last evaluated: 2023-03-21. Review status: criteria provided, single submitter. Criteria: Invitae Variant Classification Sherloc (09022015). Collection method: clinical testing. Allele origin: germline.
Comment: In summary, the available evidence is currently insufficient to determine the role of this variant in disease. Therefore, it has been classified as a Variant of Uncertain Significance. Advanced modeling of protein sequence and biophysical properties (such as structural, functional, and spatial information, amino acid conservation, physicochemical variation, residue mobility, and thermodynamic stability) performed at Invitae indicates that this missense variant is not expected to disrupt BRCA1 protein function. ClinVar contains an entry for this variant (Variation ID: 819955). This variant has not been reported in the literature in individuals affected with BRCA1-related conditions. This variant is not present in population databases (gnomAD no frequency). This sequence change replaces lysine, which is basic and polar, with arginine, which is basic and polar, at codon 581 of the BRCA1 protein (p.Lys581Arg).

Quest Diagnostics Nichols Institute San Juan Capistrano
Classification: Uncertain significance. Last evaluated: 2023-02-07. Review status: criteria provided, single submitter. Criteria: Quest Diagnostics criteria. Collection method: clinical testing. Allele origin: unknown.
Comment: It has not been reported in large, multi-ethnic general populations. In the published literature, the variant has been reported in an affected individual with breast cancer in a large scale breast cancer association study (PMID: 33471991 (2021), see also LOVD). Analysis of this variant using bioinformatics tools for the prediction of the effect of amino acid changes on protein structure and function yielded predictions that this variant is benign. Based on the available information, we are unable to determine the clinical significance of this variant.

Ambry Genetics
Classification: Likely benign for Hereditary cancer-predisposing syndrome. Last evaluated: 2021-05-05. Review status: criteria provided, single submitter. Criteria: Ambry Variant Classification Scheme 2023. Collection method: clinical testing. Allele origin: germline.

Literature cited by the submitters: PubMed 33471991 (cited by Quest Diagnostics Nichols Institute San Juan Capistrano).